The following is an entry in ClinVar:

ClinVar aggregate classification (germline): Uncertain significance (1 of 4 stars; one submission).

Allele frequency attached by ClinVar (database versions not stated): gnomAD 0.00001; TOPMed 0.00002.

Submission:

Labcorp Genetics (formerly Invitae), Labcorp
Classification: Uncertain significance. Last evaluated: 2022-12-06. Review status: criteria provided, single submitter. Criteria: Invitae Variant Classification Sherloc (09022015). Collection method: clinical testing. Allele origin: germline.
Comment: This variant is not present in population databases (gnomAD no frequency). This sequence change replaces proline, which is neutral and non-polar, with serine, which is neutral and polar, at codon 47 of the HIKESHI protein (p.Pro47Ser). In summary, the available evidence is currently insufficient to determine the role of this variant in disease. Therefore, it has been classified as a Variant of Uncertain Significance. Algorithms developed to predict the effect of missense changes on protein structure and function are either unavailable or do not agree on the potential impact of this missense change (SIFT: "Tolerated"; PolyPhen-2: "Probably Damaging"; Align-GVGD: "Class C0"). ClinVar contains an entry for this variant (Variation ID: 1354159). This variant has not been reported in the literature in individuals affected with HIKESHI-related conditions.

NM_016401.4(HIKESHI):c.139C>T (p.Pro47Ser)

Gene: HIKESHI (heat shock protein nuclear import factor hikeshi; plus strand). Cytogenetic location: 11q14.2.
Variant type: single nucleotide variant.
Coding change: c.139C>T on transcript NM_016401.4 (MANE Select); coding-DNA position 139, C replaced by T.
Protein change: p.Pro47Ser; replaces proline 47 with serine.
Molecular consequence: missense variant. On other transcripts: non-coding transcript variant (1).
Genome position (GRCh38, 1-based): chr11:86,306,353, C>T. VCF-style: chr11-86306353-C-T. GRCh37 (hg19) VCF-style: chr11-86017395-C-T.
Other names: c.139C>T, p.Pro47Ser (NM_001322404.2); c.22C>T, p.Pro8Ser (NM_001322407.2, NM_001322409.2); short protein forms P8S, P47S.
Identifiers: ClinVar variation 1354159 (VCV001354159.6), dbSNP rs11539213, ClinGen allele CA225353640.